The following is an entry in ClinVar:

NM_001378615.1(CC2D2A):c.1229T>C (p.Ile410Thr)

Genes: CC2D2A (coiled-coil and C2 domain containing 2A; plus strand), FBXL5 (F-box and leucine rich repeat protein 5; minus strand). Cytogenetic location: 4p15.32.
Variant type: single nucleotide variant.
Coding change: c.1229T>C on transcript NM_001378615.1 (MANE Select); coding-DNA position 1229, T replaced by C.
Protein change: p.Ile410Thr; replaces isoleucine 410 with threonine.
Molecular consequence: missense variant.
Genome position (GRCh38, 1-based): chr4:15,527,526, T>C. VCF-style: chr4-15527526-T-C. GRCh37 (hg19) VCF-style: chr4-15529149-T-C.
Other names: c.1229T>C, p.Ile410Thr (NM_001080522.2); c.1082T>C, p.Ile361Thr (NM_001378617.1); short protein forms I361T, I410T.
Identifiers: ClinVar variation 2059248 (VCV002059248.2), dbSNP rs1477642319, ClinGen allele CA356410281.

ClinVar aggregate classification (germline): Uncertain significance. Review status: criteria provided, multiple submitters, no conflicts (2 of 4 stars). 2 submissions from 2 submitters: Uncertain significance (2). Last evaluated 2024-05-24.

Conditions:
COACH syndrome 2. Identifiers: MedGen C5436837, MONDO:0030859, OMIM 619111.
Meckel syndrome, type 6. Identifiers: Orphanet 564, MedGen C2676790, MONDO:0012848, OMIM 612284.
Joubert syndrome 9 (JBTS9). Identifiers: Orphanet 2318, MedGen C2676788, MONDO:0012849, OMIM 612285.
Retinitis pigmentosa 93. Identifiers: MedGen C5676970, MONDO:0030797, OMIM 619845.
Joubert syndrome. Also called: JOUBERT-BOLTSHAUSER SYNDROME; Familial aplasia of the vermis. Identifiers: Orphanet 475, MedGen C5979921, MONDO:0018772.
Meckel-Gruber syndrome. Also called: DYSENCEPHALIA SPLANCHNOCYSTICA; GRUBER SYNDROME; Dysencephalia splachnocystica. Identifiers: Orphanet 564, MedGen C0265215, MONDO:0018921.

Allele frequency attached by ClinVar (database versions not stated): gnomAD 0.00001; gnomAD exomes 0.00001; TOPMed 0.00002.
gnomAD v4.1: 4 of 1,613,494 alleles (0.00025%); highest among the groups gnomAD compares: Non-Finnish European, 0.00034%; no homozygotes.

Submissions (2):

Fulgent Genetics
Classification: Uncertain significance for Meckel syndrome, type 6; Joubert syndrome 9; COACH syndrome 2; Retinitis pigmentosa 93. Last evaluated: 2024-05-24. Review status: criteria provided, single submitter. Criteria: ACMG Guidelines, 2015. Collection method: clinical testing. Allele origin: germline.

Labcorp Genetics (formerly Invitae), Labcorp
Classification: Uncertain significance for Joubert syndrome; Meckel-Gruber syndrome. Last evaluated: 2022-07-05. Review status: criteria provided, single submitter. Criteria: Invitae Variant Classification Sherloc (09022015). Collection method: clinical testing. Allele origin: germline.
Comment: This sequence change replaces isoleucine, which is neutral and non-polar, with threonine, which is neutral and polar, at codon 410 of the CC2D2A protein (p.Ile410Thr). This variant is present in population databases (no rsID available, gnomAD 0.002%). This variant has not been reported in the literature in individuals affected with CC2D2A-related conditions. Algorithms developed to predict the effect of missense changes on protein structure and function are either unavailable or do not agree on the potential impact of this missense change (SIFT: "Deleterious"; PolyPhen-2: "Possibly Damaging"; Align-GVGD: "Class C0"). In summary, the available evidence is currently insufficient to determine the role of this variant in disease. Therefore, it has been classified as a Variant of Uncertain Significance.